The following is an entry in ClinVar:

ClinVar aggregate classification (germline): Pathogenic (1 of 4 stars; one submission).

Conditions:
Bloom syndrome (BLM). Also called: Bloom-Torre-Machacek syndrome. Identifiers: Orphanet 125, MedGen C0005859, MONDO:0008876, OMIM 210900.

Submission:

Labcorp Genetics (formerly Invitae), Labcorp
Classification: Pathogenic for Bloom syndrome. Last evaluated: 2021-10-04. Review status: criteria provided, single submitter. Criteria: Invitae Variant Classification Sherloc (09022015). Collection method: clinical testing. Allele origin: germline.
Comment: For these reasons, this variant has been classified as Pathogenic. This variant has not been reported in the literature in individuals with BLM-related conditions. ClinVar contains an entry for this variant (Variation ID: 947591). This variant is not present in population databases (ExAC no frequency). This sequence change creates a premature translational stop signal (p.Glu254*) in the BLM gene. It is expected to result in an absent or disrupted protein product. Loss-of-function variants in BLM are known to be pathogenic (PMID: 17407155).

Literature cited by the submitters: PubMed 17407155.

NM_000057.4(BLM):c.760G>T (p.Glu254Ter)

Gene: BLM (BLM RecQ like helicase; plus strand). Cytogenetic location: 15q26.1.
Variant type: single nucleotide variant.
Coding change: c.760G>T on transcript NM_000057.4 (MANE Select); coding-DNA position 760, G replaced by T.
Protein change: p.Glu254Ter; replaces glutamic acid 254 with a stop codon.
Molecular consequence: nonsense. On other transcripts: 5 prime UTR variant (1).
Genome position (GRCh38, 1-based): chr15:90,750,028, G>T. VCF-style: chr15-90750028-G-T. GRCh37 (hg19) VCF-style: chr15-91293258-G-T.
Other names: c.760G>T, p.Glu254Ter (NM_001287246.2, NM_001287247.2); c.-532G>T (NM_001287248.2); short protein forms E254*.
Identifiers: ClinVar variation 947591 (VCV000947591.8), dbSNP rs181892828, ClinGen allele CA393841501.
Genomic context (GRCh38, chr15:90,750,028, plus strand): 5'-GATGTGATTTGCATCGATGATGGCCCCATTGCTGAAGTGCATATAAATGAAGATGCTCAG[G>T]AAAGTGACTCTCTGAAAACTCATTTGGAAGATGAAAGAGGTAACAATTATTTTATCTTCA-3'